The following is an entry in ClinVar:

ClinVar aggregate classification (germline): Uncertain significance (1 of 4 stars; one submission).

Conditions:
Familial thoracic aortic aneurysm and aortic dissection (TAAD). Also called: Thoracic aortic aneurysms and dissections. Identifiers: Orphanet 91387, MedGen C4707243, MONDO:0019625.

Submission:

Ambry Genetics
Classification: Uncertain significance for Familial thoracic aortic aneurysm and aortic dissection. Last evaluated: 2026-04-02. Review status: criteria provided, single submitter. Criteria: Ambry Variant Classification Scheme 2023. Collection method: clinical testing. Allele origin: germline.
Comment: The p.E324A variant (also known as c.971A>C), located in coding exon 8 of the MYH11 gene, results from an A to C substitution at nucleotide position 971. The glutamic acid at codon 324 is replaced by alanine, an amino acid with dissimilar properties. This amino acid position is conserved. In addition, this alteration is predicted to be tolerated by in silico analysis. Based on the available evidence, the clinical significance of this variant remains unclear.

NM_002474.3(MYH11):c.971A>C (p.Glu324Ala)

Gene: MYH11 (myosin heavy chain 11; minus strand). Cytogenetic location: 16p13.11.
Variant type: single nucleotide variant.
Coding change: c.971A>C on transcript NM_002474.3 (MANE Select); coding-DNA position 971, A replaced by C.
Protein change: p.Glu324Ala; replaces glutamic acid 324 with alanine.
Molecular consequence: missense variant.
Genome position (GRCh38, 1-based): chr16:15,771,631, T>G on the plus strand (A>C on the coding strand, the complement: MYH11 is on the minus strand). VCF-style: chr16-15771631-T-G. GRCh37 (hg19) VCF-style: chr16-15865488-T-G.
Other names: c.992A>C, p.Glu331Ala (NM_001040113.2, NM_001040114.2); c.971A>C, p.Glu324Ala (NM_022844.3); short protein forms E324A, E331A.
Identifiers: ClinVar variation 4860532 (VCV004860532.1).